The following is an entry in ClinVar:

GRCh37/hg19 12p11.21(chr12:32936969-33065454)x1

Gene: PKP2 (plakophilin 2; minus strand). Cytogenetic location: 12p11.21.
Variant type: copy number loss.
Change: copy number 1 (one copy instead of two) of chr12:32,936,969-33,065,454 (128.5 kb, GRCh37 coordinates, 1-based), cytogenetic band 12p11.21.
Identifiers: ClinVar variation 1808644 (VCV001808644.1).

ClinVar aggregate classification (germline): Likely pathogenic (1 of 4 stars; one submission).

Submission:

Quest Diagnostics Nichols Institute San Juan Capistrano
Classification: Likely pathogenic. Last evaluated: 2022-04-27. Review status: criteria provided, single submitter. Criteria: ACMG/ClinGen CNV Guidelines, 2019. Collection method: clinical testing. Allele origin: unknown.
Comment: This copy number loss of 12p11.21 involves the entire PKP2 gene (OMIM 602861). Heterozygous loss-of-function variants of PKP2 are associated with autosomal dominant arrhythmogenic right ventricular cardiomyopathy/dysplasia (ARVC/D) 9, which is a clinical and pathologic entity for which the diagnosis rests on electrocardiographic and angiographic criteria; pathologic findings, replacement of ventricular myocardium with fatty and fibrous elements, preferentially involve the right ventricular free wall. It is inherited in an autosomal dominant manner with reduced penetrance and is one of the major genetic causes of juvenile sudden death (OMIM 602861). Hemizygous partial and whole-gene deletions of PKP2 have been reported in numerous individuals and families with ARVD/C phenotypes (Alhassani 2018, Bhonsale 2015, Fedida 2017, Ferro 2017, Mura 2013, Pilichou 2017, Sonoda 2017). In one reported parent-child duo, neurocognitive phenotypes (ADHD and mild developmental delay, respectively) were also reported (Roberts 2013). There are no similar copy number losses of this region in the general populations of the Database of Genomic Variants. Thus, the clinical significance of this copy number variant (CNV) is likely pathogenic. References: Alhassani et al., HeartRhythm Case Rep. 2018 Jul 25;4(10):486-489. PMID: 30364518. Bhonsale et al., Eur Heart J. 2015 Apr 7;36(14):847-55. PMID: 25616645. Fedida et al., PLoS One. 2017 Aug 2;12(8):e0181840. PMID: 28767663. Ferro et al., Heart. 2017 Nov;103(21):1704-1710. PMID: 28416588. Mura et al., Eur J Hum Genet. 2013 Nov;21(11):1226-31. PMID: 23486541. Pilichou et al., Circ Arrhythm Electrophysiol. 2017 Oct;10(10):e005324. PMID: 29038103. Roberts et al., Clin Genet. 2013 May;83(5):452-6. PMID: 22889254. Sonoda et al., Europace. 2017 Apr 1;19(4):644-650. PMID: 28431057.